The following is an entry in ClinVar:

ClinVar aggregate classification (germline): Uncertain significance (1 of 4 stars; one submission).

gnomAD v4.1: 31 of 1,613,994 alleles (0.0019%); highest among the groups gnomAD compares: Admixed American, 0.012%; no homozygotes.

Submission:

Labcorp Genetics (formerly Invitae), Labcorp
Classification: Uncertain significance. Last evaluated: 2024-04-04. Review status: criteria provided, single submitter. Criteria: Invitae Variant Classification Sherloc (09022015). Collection method: clinical testing. Allele origin: germline.
Comment: This sequence change replaces isoleucine, which is neutral and non-polar, with valine, which is neutral and non-polar, at codon 1208 of the C5 protein (p.Ile1208Val). This variant is present in population databases (rs371301396, gnomAD 0.02%). This variant has not been reported in the literature in individuals affected with C5-related conditions. Advanced modeling of protein sequence and biophysical properties (such as structural, functional, and spatial information, amino acid conservation, physicochemical variation, residue mobility, and thermodynamic stability) performed at Invitae indicates that this missense variant is not expected to disrupt C5 protein function with a negative predictive value of 80%. In summary, the available evidence is currently insufficient to determine the role of this variant in disease. Therefore, it has been classified as a Variant of Uncertain Significance.

NM_001735.3(C5):c.3622A>G (p.Ile1208Val)

Gene: C5 (complement C5; minus strand). Cytogenetic location: 9q33.2.
Variant type: single nucleotide variant.
Coding change: c.3622A>G on transcript NM_001735.3 (MANE Select); coding-DNA position 3622, A replaced by G.
Protein change: p.Ile1208Val; replaces isoleucine 1208 with valine.
Molecular consequence: missense variant.
Genome position (GRCh38, 1-based): chr9:120,980,119, T>C on the plus strand (A>G on the coding strand, the complement: C5 is on the minus strand). VCF-style: chr9-120980119-T-C. GRCh37 (hg19) VCF-style: chr9-123742397-T-C.
Other names: c.3640A>G, p.Ile1214Val (NM_001317163.2); short protein forms I1208V, I1214V.
Identifiers: ClinVar variation 3628158 (VCV003628158.1).